The following is an entry in ClinVar:

ClinVar aggregate classification (germline): Uncertain significance. Review status: criteria provided, multiple submitters, no conflicts (2 of 4 stars). 2 submissions from 2 submitters: Uncertain significance (2). Last evaluated 2024-07-18.

Allele frequency attached by ClinVar (database versions not stated): TOPMed below 0.00001; gnomAD 0.00001.
gnomAD v4.1: 1 of 1,550,262 alleles (0.000065%); highest among the groups gnomAD compares: Non-Finnish European, 0.000087%; no homozygotes.

Submissions (2):

Mayo Clinic Laboratories, Mayo Clinic
Classification: Uncertain significance. Last evaluated: 2024-07-18. Review status: criteria provided, single submitter. Criteria: ACMG Guidelines, 2015. Collection method: clinical testing. Allele origin: germline. Observed: 1 variant allele.
Comment: BP4

Labcorp Genetics (formerly Invitae), Labcorp
Classification: Uncertain significance. Last evaluated: 2022-12-06. Review status: criteria provided, single submitter. Criteria: Invitae Variant Classification Sherloc (09022015). Collection method: clinical testing. Allele origin: germline.
Comment: In summary, the available evidence is currently insufficient to determine the role of this variant in disease. Therefore, it has been classified as a Variant of Uncertain Significance. Algorithms developed to predict the effect of missense changes on protein structure and function output the following: SIFT: "Deleterious"; PolyPhen-2: "Benign"; Align-GVGD: "Class C0". The arginine amino acid residue is found in multiple mammalian species, which suggests that this missense change does not adversely affect protein function. ClinVar contains an entry for this variant (Variation ID: 1348726). This variant has not been reported in the literature in individuals affected with ZNF469-related conditions. This variant is present in population databases (no rsID available, gnomAD 0.007%). This sequence change replaces lysine, which is basic and polar, with arginine, which is basic and polar, at codon 2501 of the ZNF469 protein (p.Lys2501Arg).

NM_001367624.2(ZNF469):c.7586A>G (p.Lys2529Arg)

Gene: ZNF469 (zinc finger protein 469; plus strand). Cytogenetic location: 16q24.2.
Variant type: single nucleotide variant.
Coding change: c.7586A>G on transcript NM_001367624.2 (MANE Select); coding-DNA position 7586, A replaced by G.
Protein change: p.Lys2529Arg; replaces lysine 2529 with arginine.
Molecular consequence: missense variant.
Genome position (GRCh38, 1-based): chr16:88,435,056, A>G. VCF-style: chr16-88435056-A-G. GRCh37 (hg19) VCF-style: chr16-88501464-A-G.
Other names: p.Lys2529Arg; short protein forms K2529R.
Identifiers: ClinVar variation 1348726 (VCV001348726.7), dbSNP rs1013037014, ClinGen allele CA286382952.
Genomic context (GRCh38, chr16:88,435,056, plus strand): 5'-CCTTGCCTGCTCAGCAGCCTCTAGAGCCCCTAGCCCAAAAGTGCCAGCCGCCCAGGAAGA[A>G]AAGCCACAGGGTGTCTGGGAAGGAGAGACCAAATCACTCACGGGGAGACCCCAGCCACGT-3'
Protein context (NP_001354553.1, residues 2519-2539): LAQKCQPPRK[Lys2529Arg]SHRVSGKERP